The following is an entry in ClinVar:

ClinVar aggregate classification (germline): Uncertain significance (1 of 4 stars; one submission).

Conditions:
Hereditary cancer-predisposing syndrome. Also called: Tumor predisposition; Hereditary neoplastic syndrome; Hereditary Cancer Syndrome; Neoplastic Syndromes, Hereditary. Identifiers: Orphanet 140162, MedGen C0027672, MeSH D009386, MONDO:0015356.

Submission:

Ambry Genetics
Classification: Uncertain significance for Hereditary cancer-predisposing syndrome. Last evaluated: 2025-03-28. Review status: criteria provided, single submitter. Criteria: Ambry Variant Classification Scheme 2023. Collection method: clinical testing. Allele origin: germline.
Comment: The p.G1305R variant (also known as c.3913G>C), located in coding exon 31 of the POLE gene, results from a G to C substitution at nucleotide position 3913. The glycine at codon 1305 is replaced by arginine, an amino acid with dissimilar properties. This amino acid position is well conserved in available vertebrate species. In addition, this alteration is predicted to be tolerated by in silico analysis. Based on the available evidence, the clinical significance of this variant remains unclear.

NM_006231.4(POLE):c.3913G>C (p.Gly1305Arg)

Gene: POLE (DNA polymerase epsilon, catalytic subunit; minus strand). Cytogenetic location: 12q24.33.
Variant type: single nucleotide variant.
Coding change: c.3913G>C on transcript NM_006231.4 (MANE Select); coding-DNA position 3913, G replaced by C.
Protein change: p.Gly1305Arg; replaces glycine 1305 with arginine.
Molecular consequence: missense variant.
Genome position (GRCh38, 1-based): chr12:132,649,398, C>G on the plus strand (G>C on the coding strand, the complement: POLE is on the minus strand). VCF-style: chr12-132649398-C-G. GRCh37 (hg19) VCF-style: chr12-133225984-C-G.
Other names: short protein forms G1305R.
Identifiers: ClinVar variation 3935658 (VCV003935658.1).